The following is an entry in ClinVar:

NM_213599.3(ANO5):c.366C>A (p.Asp122Glu)

Gene: ANO5 (anoctamin 5; plus strand). Cytogenetic location: 11p14.3.
Variant type: single nucleotide variant.
Coding change: c.366C>A on transcript NM_213599.3 (MANE Select); coding-DNA position 366, C replaced by A.
Protein change: p.Asp122Glu; replaces aspartic acid 122 with glutamic acid.
Molecular consequence: missense variant.
Genome position (GRCh38, 1-based): chr11:22,227,304, C>A. VCF-style: chr11-22227304-C-A. GRCh37 (hg19) VCF-style: chr11-22248850-C-A.
Other names: c.363C>A, p.Asp121Glu (NM_001142649.2); c.324C>A, p.Asp108Glu (NM_001410963.1); c.321C>A, p.Asp107Glu (NM_001410964.1); short protein forms D107E, D122E, D108E, D121E.
Identifiers: ClinVar variation 2922212 (VCV002922212.3), dbSNP rs2494148764, ClinGen allele CA379919243.

ClinVar aggregate classification (germline): Uncertain significance (1 of 4 stars; one submission).

Conditions:
Autosomal recessive limb-girdle muscular dystrophy type 2L (LGMDR12). Also called: Limb-Girdle Muscular Dystrophy R12 Anoctamin-5-Related (LGMD-R12); MUSCULAR DYSTROPHY, LIMB-GIRDLE, AUTOSOMAL RECESSIVE 12; Limb-girdle muscular dystrophy, type 2L. Identifiers: Orphanet 206549, MedGen C1969785, MONDO:0012652, OMIM 611307.
Gnathodiaphyseal dysplasia (GDD). Also called: GNATHODIAPHYSEAL SCLEROSIS; OSTEOGENESIS IMPERFECTA WITH UNUSUAL SKELETAL LESIONS. Identifiers: Orphanet 53697, MedGen C1833736, MONDO:0008151, OMIM 166260.

Submission:

Labcorp Genetics (formerly Invitae), Labcorp
Classification: Uncertain significance for Autosomal recessive limb-girdle muscular dystrophy type 2L; Gnathodiaphyseal dysplasia. Last evaluated: 2024-01-15. Review status: criteria provided, single submitter. Criteria: Invitae Variant Classification Sherloc (09022015). Collection method: clinical testing. Allele origin: germline.
Comment: This sequence change replaces aspartic acid, which is acidic and polar, with glutamic acid, which is acidic and polar, at codon 122 of the ANO5 protein (p.Asp122Glu). This variant is not present in population databases (gnomAD no frequency). This variant has not been reported in the literature in individuals affected with ANO5-related conditions. An algorithm developed to predict the effect of missense changes on protein structure and function (PolyPhen-2) suggests that this variant is likely to be tolerated. In summary, the available evidence is currently insufficient to determine the role of this variant in disease. Therefore, it has been classified as a Variant of Uncertain Significance.